The following is an entry in ClinVar:

NM_005733.3(KIF20A):c.1926+3G>A

Gene: KIF20A (kinesin family member 20A; plus strand). Cytogenetic location: 5q31.2.
Variant type: single nucleotide variant.
Coding change: c.1926+3G>A on transcript NM_005733.3 (MANE Select); 3 bases into the intron after coding-DNA position 1926, G replaced by A.
Molecular consequence: intron variant.
Genome position (GRCh38, 1-based): chr5:138,185,200, G>A. VCF-style: chr5-138185200-G-A. GRCh37 (hg19) VCF-style: chr5-137520889-G-A.
Identifiers: ClinVar variation 4692016 (VCV004692016.1).

ClinVar aggregate classification (germline): Uncertain significance (1 of 4 stars; one submission).

Submission:

Labcorp Genetics (formerly Invitae), Labcorp
Classification: Uncertain significance. Last evaluated: 2025-07-01. Review status: criteria provided, single submitter. Criteria: Invitae Variant Classification Sherloc (09022015). Collection method: clinical testing. Allele origin: germline.
Comment: This sequence change falls in intron 15 of the KIF20A gene. It does not directly change the encoded amino acid sequence of the KIF20A protein. It affects a nucleotide within the consensus splice site. This variant is present in population databases (no rsID available, gnomAD 0.003%). This variant has not been reported in the literature in individuals affected with KIF20A-related conditions. Variants that disrupt the consensus splice site are a relatively common cause of aberrant splicing (PMID: 17576681, 9536098). Algorithms developed to predict the effect of sequence changes on RNA splicing suggest that this variant is not likely to affect RNA splicing. In summary, the available evidence is currently insufficient to determine the role of this variant in disease. Therefore, it has been classified as a Variant of Uncertain Significance.

Literature cited by the submitters: PubMed 17576681; PubMed 9536098.